The following is an entry in ClinVar:

ClinVar aggregate classification (germline): Uncertain significance (1 of 4 stars; one submission).

Conditions:
Neurodevelopmental disorder. Identifiers: MedGen C1535926, MeSH D065886, MONDO:0700092.

Submission:

Broad Center for Mendelian Genomics, Broad Institute of MIT and Harvard
Classification: Uncertain significance for Neurodevelopmental disorder. Last evaluated: 2026-03-02. Review status: criteria provided, single submitter. Criteria: ACMG Guidelines, 2015. Collection method: research. Allele origin: germline. Inheritance: Autosomal dominant inheritance.
Comment: The p.Ile1178Val variant in RALGAPB has not been previously reported in the literature in individuals with neurodevelopmental disorders, and was absent from large population studies. Computational prediction tools and conservation analyses do not provide strong support for or against an impact to the protein. The number of missense variants reported in RALGAPB in the general population is lower than expected, suggesting there is little benign variation in this gene and slightly increasing the possibility that a missense variant in this gene may not be tolerated. While variants in the RALGAPB gene have been reported in individuals with neurodevelopmental disorders, this association has not been definitively established. In summary, given the limited information about this gene-disease relationship, the significance of the p.Ile1178Val variant is uncertain.

NM_020336.4(RALGAPB):c.3532A>G (p.Ile1178Val)

Gene: RALGAPB (Ral GTPase activating protein non-catalytic subunit beta; plus strand). Cytogenetic location: 20q11.23.
Variant type: single nucleotide variant.
Coding change: c.3532A>G on transcript NM_020336.4 (MANE Select); coding-DNA position 3532, A replaced by G.
Protein change: p.Ile1178Val; replaces isoleucine 1178 with valine.
Molecular consequence: missense variant.
Genome position (GRCh38, 1-based): chr20:38,562,532, A>G. VCF-style: chr20-38562532-A-G. GRCh37 (hg19) VCF-style: chr20-37191175-A-G.
Other names: NM_001282918.2:c.3520A>G; c.3532A>G, p.Ile1178Val (NM_001282917.2); c.3520A>G, p.Ile1174Val (NM_001282918.2); short protein forms I1174V, I1178V.
Identifiers: ClinVar variation 4819494 (VCV004819494.1).